The following is an entry in ClinVar:

ClinVar aggregate classification (germline): Uncertain significance (1 of 4 stars; one submission).

Allele frequency attached by ClinVar (database versions not stated): TOPMed below 0.00001; gnomAD 0.00001; ExAC 0.00002.
gnomAD v4.1: 29 of 1,613,234 alleles (0.0018%); highest among the groups gnomAD compares: Non-Finnish European, 0.0022%; no homozygotes.

Submission:

Labcorp Genetics (formerly Invitae), Labcorp
Classification: Uncertain significance. Last evaluated: 2022-11-01. Review status: criteria provided, single submitter. Criteria: Invitae Variant Classification Sherloc (09022015). Collection method: clinical testing. Allele origin: germline.
Comment: In summary, the available evidence is currently insufficient to determine the role of this variant in disease. Therefore, it has been classified as a Variant of Uncertain Significance. This sequence change replaces methionine, which is neutral and non-polar, with threonine, which is neutral and polar, at codon 376 of the EXOC6B protein (p.Met376Thr). This variant is present in population databases (rs754722759, gnomAD 0.003%). This variant has not been reported in the literature in individuals affected with EXOC6B-related conditions. Experimental studies and prediction algorithms are not available or were not evaluated, and the functional significance of this variant is currently unknown.

NM_015189.3(EXOC6B):c.1127T>C (p.Met376Thr)

Gene: EXOC6B (exocyst complex component 6B; minus strand). Cytogenetic location: 2p13.2.
Variant type: single nucleotide variant.
Coding change: c.1127T>C on transcript NM_015189.3 (MANE Select); coding-DNA position 1127, T replaced by C.
Protein change: p.Met376Thr; replaces methionine 376 with threonine.
Molecular consequence: missense variant. On other transcripts: non-coding transcript variant (2).
Genome position (GRCh38, 1-based): chr2:72,513,172, A>G on the plus strand (T>C on the coding strand, the complement: EXOC6B is on the minus strand). VCF-style: chr2-72513172-A-G. GRCh37 (hg19) VCF-style: chr2-72740301-A-G.
Other names: c.1127T>C, p.Met376Thr (NM_001321729.2, NM_001321730.2, NM_001321731.2 and 1 more transcripts); c.788T>C, p.Met263Thr (NM_001321734.2); short protein forms M376T, M263T.
Identifiers: ClinVar variation 2177261 (VCV002177261.3), dbSNP rs754722759, ClinGen allele CA1708541.
Genomic context (GRCh38, chr2:72,513,172, plus strand): 5'-CCCTTGGGCTTCTTACATACCGAGTGGGTACGGAGTGCTGCGATGGTTTTTGAAAGTGCC[A>G]TTTCCCACAGTTCATCAATGTAGGCTCTATTTACTAAGCCCTGGGTTGTATGTAAAATGT-3'
Protein context (NP_056004.1, residues 366-386): NRAYIDELWE[Met376Thr]ALSKTIAALR